The following is an entry in ClinVar:

ClinVar aggregate classification (germline): Conflicting classifications of pathogenicity. Review status: criteria provided, conflicting classifications (1 of 4 stars). 2 submissions from 2 submitters: Uncertain significance (1); Likely benign (1). Last evaluated 2025-07-09.

Conditions:
Hereditary cancer-predisposing syndrome. Also called: Hereditary Cancer Syndrome; Hereditary neoplastic syndrome; Neoplastic Syndromes, Hereditary; Tumor predisposition. Identifiers: Orphanet 140162, MedGen C0027672, MeSH D009386, MONDO:0015356.

Submissions (2):

Ambry Genetics
Classification: Uncertain significance for Hereditary cancer-predisposing syndrome. Last evaluated: 2025-07-09. Review status: criteria provided, single submitter. Criteria: Ambry Variant Classification Scheme 2023. Collection method: clinical testing. Allele origin: germline.
Comment: The p.V1920A variant (also known as c.5759T>C), located in coding exon 10 of the BRCA2 gene, results from a T to C substitution at nucleotide position 5759. The valine at codon 1920 is replaced by alanine, an amino acid with similar properties. This amino acid position is not well conserved in available vertebrate species. In addition, this alteration is predicted to be tolerated by in silico analysis. Since supporting evidence is limited at this time, the clinical significance of this alteration remains unclear.

University of Washington Department of Laboratory Medicine, University of Washington
Classification: Likely benign for Hereditary cancer-predisposing syndrome. Last evaluated: 2023-03-23. Review status: criteria provided, single submitter. Criteria: Dines et al. (Genet Med. 2020). Collection method: curation. Allele origin: germline.
Comment: Missense variant in a coldspot region where missense variants are very unlikely to be pathogenic (PMID:31911673).

BRCA2 exon 11 coldspot. Reclassification based on statistical prior probability.

NM_000059.4(BRCA2):c.5759T>C (p.Val1920Ala)

Gene: BRCA2 (BRCA2 DNA repair associated; plus strand). Cytogenetic location: 13q13.1.
Variant type: single nucleotide variant.
Coding change: c.5759T>C on transcript NM_000059.4 (MANE Select); coding-DNA position 5759, T replaced by C.
Protein change: p.Val1920Ala; replaces valine 1920 with alanine.
Molecular consequence: missense variant.
Genome position (GRCh38, 1-based): chr13:32,340,114, T>C. VCF-style: chr13-32340114-T-C. GRCh37 (hg19) VCF-style: chr13-32914251-T-C.
Other names: c.5759T>C, p.Val1920Ala (NM_001406719.1, NM_001406720.1); short protein forms V1920A.
Identifiers: ClinVar variation 1749458 (VCV001749458.5), dbSNP rs2137520635, ClinGen allele CA387787062.
Genomic context (GRCh38, chr13:32,340,114, plus strand): 5'-CAGAGGATATTCTTCATAACTCTCTAGATAATGATGAATGTAGCACGCATTCACATAAGG[T>C]TTTTGCTGACATTCAGAGTGAAGAAATTTTACAACATAACCAAAATATGTCTGGATTGGA-3'
Protein context (NP_000050.3, residues 1910-1930): NDECSTHSHK[Val1920Ala]FADIQSEEIL